The following is an entry in ClinVar:

ClinVar aggregate classification (germline): Pathogenic (1 of 4 stars; one submission).

Submission:

Labcorp Genetics (formerly Invitae), Labcorp
Classification: Pathogenic. Last evaluated: 2024-05-23. Review status: criteria provided, single submitter. Criteria: Invitae Variant Classification Sherloc (09022015). Collection method: clinical testing. Allele origin: germline.
Comment: This sequence change creates a premature translational stop signal (p.Leu40Serfs*12) in the HJV gene. It is expected to result in an absent or disrupted protein product. Loss-of-function variants in HJV are known to be pathogenic (PMID: 20301349, 22408404). This variant is not present in population databases (gnomAD no frequency). This variant has not been reported in the literature in individuals affected with HJV-related conditions. For these reasons, this variant has been classified as Pathogenic.

Literature cited by the submitters: PubMed 20301349; PubMed 22408404.

NM_213653.4(HJV):c.118del (p.Leu40fs)

Gene: HJV (hemojuvelin BMP co-receptor; minus strand). Cytogenetic location: 1q21.1.
Variant type: Deletion.
Coding change: c.118del on transcript NM_213653.4 (MANE Select); coding-DNA position 118, one base deleted (C; older notation c.118delC).
Protein change: p.Leu40fs; shifts the reading frame from leucine 40.
Molecular consequence: frameshift variant. On other transcripts: 5 prime UTR variant (3), intron variant (1).
Genome position (GRCh38, 1-based): chr1:146,019,714, G deleted on the plus strand (C on the coding strand, the reverse complement: HJV is on the minus strand); the first of 2 consecutive G bases (chr1:146,019,714-146,019,715); deleting either gives the same sequence. VCF-style (leftmost placement, unchanged base first): chr1-146019713-AG-A. GRCh37 (hg19) VCF-style: chr1-145415297-TC-T.
Other names: c.-38del (NM_001316767.2, NM_202004.4); c.118del, p.Leu40fs (NM_001379352.1); c.-222del (NM_145277.5); c.-21-1014del (NM_213652.4); short protein forms L40fs.
Identifiers: ClinVar variation 3654393 (VCV003654393.2).